The following is an entry in ClinVar:

NM_000094.4(COL7A1):c.5585C>A (p.Ser1862Ter)

Gene: COL7A1 (collagen type VII alpha 1 chain; minus strand). Cytogenetic location: 3p21.31.
Variant type: single nucleotide variant.
Coding change: c.5585C>A on transcript NM_000094.4 (MANE Select); coding-DNA position 5585, C replaced by A.
Protein change: p.Ser1862Ter; replaces serine 1862 with a stop codon.
Molecular consequence: nonsense.
Genome position (GRCh38, 1-based): chr3:48,576,903, G>T on the plus strand (C>A on the coding strand, the complement: COL7A1 is on the minus strand). VCF-style: chr3-48576903-G-T. GRCh37 (hg19) VCF-style: chr3-48614336-G-T.
Other names: short protein forms S1862*.
Identifiers: ClinVar variation 2694553 (VCV002694553.3), dbSNP rs1013627013, ClinGen allele CA352670261.

ClinVar aggregate classification (germline): Pathogenic (1 of 4 stars; one submission).

Submission:

Labcorp Genetics (formerly Invitae), Labcorp
Classification: Pathogenic. Last evaluated: 2023-11-17. Review status: criteria provided, single submitter. Criteria: Invitae Variant Classification Sherloc (09022015). Collection method: clinical testing. Allele origin: germline.
Comment: This sequence change creates a premature translational stop signal (p.Ser1862*) in the COL7A1 gene. It is expected to result in an absent or disrupted protein product. Loss-of-function variants in COL7A1 are known to be pathogenic (PMID: 16971478). This variant is not present in population databases (gnomAD no frequency). This variant has not been reported in the literature in individuals affected with COL7A1-related conditions. For these reasons, this variant has been classified as Pathogenic.

Literature cited by the submitters: PubMed 16971478.